The following is an entry in ClinVar:

ClinVar aggregate classification (germline): Uncertain significance. Review status: criteria provided, multiple submitters, no conflicts (2 of 4 stars). 2 submissions from 2 submitters: Uncertain significance (2). Last evaluated 2024-05-09.

Allele frequency attached by ClinVar (database versions not stated): TOPMed below 0.00001; ExAC 0.00002.
gnomAD v4.1: 8 of 1,614,202 alleles (0.0005%); highest among the groups gnomAD compares: South Asian, 0.0066%; no homozygotes.

Submissions (2):

Labcorp Genetics (formerly Invitae), Labcorp
Classification: Uncertain significance. Last evaluated: 2024-05-09. Review status: criteria provided, single submitter. Criteria: Invitae Variant Classification Sherloc (09022015). Collection method: clinical testing. Allele origin: germline.
Comment: This sequence change replaces valine, which is neutral and non-polar, with methionine, which is neutral and non-polar, at codon 710 of the EMC1 protein (p.Val710Met). This variant is present in population databases (rs760968223, gnomAD 0.01%). This variant has not been reported in the literature in individuals affected with EMC1-related conditions. Advanced modeling of protein sequence and biophysical properties (such as structural, functional, and spatial information, amino acid conservation, physicochemical variation, residue mobility, and thermodynamic stability) performed at Invitae indicates that this missense variant is expected to disrupt EMC1 protein function with a positive predictive value of 80%. In summary, the available evidence is currently insufficient to determine the role of this variant in disease. Therefore, it has been classified as a Variant of Uncertain Significance.

Blueprint Genetics
Classification: Uncertain significance. Last evaluated: 2019-12-12. Review status: criteria provided, single submitter. Criteria: ACMG Guidelines, 2015. Collection method: clinical testing. Allele origin: germline.

NM_015047.3(EMC1):c.2128G>A (p.Val710Met)

Genes: EMC1 (ER membrane protein complex subunit 1; minus strand), EMC1-AS1 (EMC1 antisense RNA 1; plus strand). Cytogenetic location: 1p36.13.
Variant type: single nucleotide variant.
Coding change: c.2128G>A on transcript NM_015047.3 (MANE Select); coding-DNA position 2128, G replaced by A.
Protein change: p.Val710Met; replaces valine 710 with methionine.
Molecular consequence: missense variant.
Genome position (GRCh38, 1-based): chr1:19,227,387, C>T on the plus strand (G>A on the coding strand, the complement: EMC1 is on the minus strand). VCF-style: chr1-19227387-C-T. GRCh37 (hg19) VCF-style: chr1-19553881-C-T.
Other names: c.2125G>A, p.Val709Met (NM_001271427.2, NM_001271428.2); c.2062G>A, p.Val688Met (NM_001271429.2); c.2137G>A, p.Val713Met (NM_001375820.1); c.2134G>A, p.Val712Met (NM_001375821.1); short protein forms V688M, V709M, V710M, V712M, V713M.
Identifiers: ClinVar variation 2902509 (VCV002902509.4), dbSNP rs760968223, ClinGen allele CA652386.